The following is an entry in ClinVar:

ClinVar aggregate classification (germline): Uncertain significance (1 of 4 stars; one submission).

Conditions:
RYR1-related disorder. Also called: RYR1-related condition; RYR1-related disorders. Identifiers: MedGen CN239331.

Submission:

Labcorp Genetics (formerly Invitae), Labcorp
Classification: Uncertain significance for RYR1-related disorder. Last evaluated: 2025-10-02. Review status: criteria provided, single submitter. Criteria: Invitae Variant Classification Sherloc (09022015). Collection method: clinical testing. Allele origin: germline.
Comment: This variant, c.5759_5761del, results in the deletion of 1 amino acid(s) of the RYR1 protein (p.Glu1920del), but otherwise preserves the integrity of the reading frame. This variant is not present in population databases (gnomAD no frequency). This variant has not been reported in the literature in individuals affected with RYR1-related conditions. Experimental studies and prediction algorithms are not available or were not evaluated, and the functional significance of this variant is currently unknown. In summary, the available evidence is currently insufficient to determine the role of this variant in disease. Therefore, it has been classified as a Variant of Uncertain Significance.

NM_000540.3(RYR1):c.5753AAG[2] (p.Glu1920del)

Gene: RYR1 (ryanodine receptor 1; plus strand). Cytogenetic location: 19q13.2.
Variant type: Microsatellite.
Coding change: c.5753AAG[2] on transcript NM_000540.3 (MANE Select); two copies in a row of the 3-base unit AAG starting at c.5753; the reference has three copies in a row; one copy, 3 bases deleted.
Protein change: p.Glu1920del; deletes glutamic acid 1920.
Genome position (GRCh38, 1-based): chr19:38,489,388-38,489,390, AAG deleted; deleting any 3 consecutive bases within chr19:38,489,382-38,489,390 gives the same sequence; the position shown is the placement nearest the transcript's 3' end. VCF-style (leftmost placement, unchanged base first): chr19-38489381-AAAG-A. GRCh37 (hg19) VCF-style: chr19-38980021-AAAG-A.
Other names: c.5753AAG[2], p.Glu1920del (NM_001042723.2); short protein forms E1920del.
Identifiers: ClinVar variation 4797386 (VCV004797386.1).